The following is an entry in ClinVar:

NM_020778.5(ALPK3):c.412C>T (p.Gln138Ter)

Gene: ALPK3 (alpha kinase 3; plus strand). Cytogenetic location: 15q25.3.
Variant type: single nucleotide variant.
Coding change: c.412C>T on transcript NM_020778.5 (MANE Select); coding-DNA position 412, C replaced by T.
Protein change: p.Gln138Ter; replaces glutamine 138 with a stop codon.
Molecular consequence: nonsense.
Genome position (GRCh38, 1-based): chr15:84,839,087, C>T. VCF-style: chr15-84839087-C-T. GRCh37 (hg19) VCF-style: chr15-85382318-C-T.
Other names: short protein forms Q340*, Q138*.
Identifiers: ClinVar variation 504882 (VCV000504882.15), dbSNP rs200889953, ClinGen allele CA273664439.
Genomic context (GRCh38, chr15:84,839,087, plus strand): 5'-GACCGCTACTGTGGCTTGCCAAAATATGAGATCACTCATCAGGGCAACCGCCACACACTG[C>T]AGCTGTACAGGTGAGGGAGAAGGGCCTGTTTTGCTCTCTCTGCCCTCCCGAGGGCCCTCT-3'

ClinVar aggregate classification (germline): Pathogenic/Likely pathogenic. Review status: criteria provided, multiple submitters, no conflicts (2 of 4 stars). 6 submissions from 6 submitters: Pathogenic (4); Likely pathogenic (2). Last evaluated 2025-10-19.

Conditions:
Cardiovascular phenotype. Identifiers: MedGen CN230736.
Hypertrophic cardiomyopathy. Also called: HYPERTROPHIC MYOCARDIOPATHY. Identifiers: Orphanet 217569, MedGen C0007194, MeSH D002312, MONDO:0005045, HP:0001639.
Cardiomyopathy, familial hypertrophic 27. Identifiers: MedGen C4748014, MONDO:0054838, OMIM 618052.
ALPK3-related disorder. Also called: ALPK3-related condition.

Allele frequency attached by ClinVar (database versions not stated): TOPMed below 0.00001; gnomAD exomes 0.00001.
gnomAD v4.1: 7 of 1,607,782 alleles (0.00044%); highest among the groups gnomAD compares: Non-Finnish European, 0.00059%; no homozygotes.

Submissions (6):

Labcorp Genetics (formerly Invitae), Labcorp
Classification: Pathogenic. Last evaluated: 2025-10-19. Review status: criteria provided, single submitter. Criteria: Invitae Variant Classification Sherloc (09022015). Collection method: clinical testing. Allele origin: germline.
Comment: This sequence change creates a premature translational stop signal (p.Gln340*) in the ALPK3 gene. It is expected to result in an absent or disrupted protein product. Loss-of-function variants in ALPK3 are known to be pathogenic (PMID: 21441111, 26846950, 27106955, 34263907). This variant is not present in population databases (gnomAD no frequency). This premature translational stop signal has been observed in individual(s) with ALPK3-related conditions (PMID: 32480058). ClinVar contains an entry for this variant (Variation ID: 504882). For these reasons, this variant has been classified as Pathogenic.

Ambry Genetics
Classification: Pathogenic for Cardiovascular phenotype. Last evaluated: 2025-03-17. Review status: criteria provided, single submitter. Criteria: Ambry Variant Classification Scheme 2023. Collection method: clinical testing. Allele origin: germline.
Comment: The p.Q340* pathogenic mutation (also known as c.1018C>T), located in coding exon 4 of the ALPK3 gene, results from a C to T substitution at nucleotide position 1018. This changes the amino acid from a glutamine to a stop codon within coding exon 4. This variant was detected in a pediatric cardiomyopathy case and reported in trans with a second pathogenic variant in ALPK3 (Herkert JC et al. Am Heart J, 2020 07;225:108-119). This variant is considered to be rare based on population cohorts in the Genome Aggregation Database (gnomAD). This alteration is expected to result in loss of function by premature protein truncation or nonsense-mediated mRNA decay. Based on the supporting evidence, this alteration is interpreted as a disease-causing mutation.

Molecular Diagnostic Laboratory for Inherited Cardiovascular Disease, Montreal Heart Institute
Classification: Pathogenic for Cardiovascular phenotype. Last evaluated: 2024-09-25. Review status: criteria provided, single submitter. Criteria: ACMG Guidelines, 2015. Collection method: clinical testing. Allele origin: germline. Affected: yes.
Comment: PVS1, PM2, PS4_supp

Fulgent Genetics
Classification: Pathogenic for Cardiomyopathy, familial hypertrophic 27. Last evaluated: 2024-05-23. Review status: criteria provided, single submitter. Criteria: ACMG Guidelines, 2015. Collection method: clinical testing. Allele origin: germline.

Blueprint Genetics
Classification: Likely pathogenic for ALPK3-related disorders. Last evaluated: 2024-04-15. Review status: criteria provided, single submitter. Criteria: ACMG Guidelines, 2015. Collection method: clinical testing. Allele origin: germline. Affected: yes. Observed: 5 variant alleles.

Laboratory for Molecular Medicine, Mass General Brigham Personalized Medicine
Classification: Likely pathogenic for Hypertrophic cardiomyopathy. Last evaluated: 2015-10-28. Review status: criteria provided, single submitter. Criteria: LMM Criteria. Collection method: clinical testing. Allele origin: germline. Inheritance: Autosomal recessive inheritance. Observed: 4 variant alleles.
Comment: The p.Gln340X variant in ALPK3 has not been previously reported in individuals w ith cardiomyopathy and was absent from large population studies. This nonsense v ariant leads to a premature termination codon at position 340, which is predicte d to lead to a truncated or absent protein. Biallelic loss-of-function (LOF) var iants in the ALPK3 gene have been reported in multiple individuals and in a mous e model with cardiomyopathy (HCM or mixed HCM/DCM; Almomani 2016, Phelan 2016, V an Sligtenhorst 2012). In summary, although additional studies are required to f ully establish its clinical significance, the p.Gln340X variant is likely pathog enic. ACMG/AMP Criteria applied: PM2, PVS1_Strong.

Literature cited by the submitters: PubMed 21441111 (cited by Labcorp Genetics (formerly Invitae), Labcorp and Laboratory for Molecular Medicine, Mass General Brigham Personalized Medicine); PubMed 26846950 (cited by Labcorp Genetics (formerly Invitae), Labcorp and Laboratory for Molecular Medicine, Mass General Brigham Personalized Medicine); PubMed 27106955 (cited by Labcorp Genetics (formerly Invitae), Labcorp and Laboratory for Molecular Medicine, Mass General Brigham Personalized Medicine); PubMed 34263907 (cited by Labcorp Genetics (formerly Invitae), Labcorp); PubMed 32480058 (cited by Labcorp Genetics (formerly Invitae), Labcorp and Ambry Genetics).